The following is an entry in ClinVar:

ClinVar aggregate classification (germline): Pathogenic (1 of 4 stars; one submission).

Conditions:
Myofibrillar myopathy 5. Also called: FILAMINOPATHY, AUTOSOMAL DOMINANT; Filaminopathy (type). Identifiers: Orphanet 171445, MedGen C1836050, MONDO:0012289, OMIM 609524.
Distal myopathy with posterior leg and anterior hand involvement. Also called: WILLIAMS DISTAL MYOPATHY. Identifiers: Orphanet 63273, MedGen C3279722, MONDO:0013550, OMIM 614065.
Hypertrophic cardiomyopathy 26. Also called: Cardiomyopathy, familial hypertrophic, 26. Identifiers: Orphanet 75249, MedGen C4310749, MONDO:0014883, OMIM 617047.

Submission:

Labcorp Genetics (formerly Invitae), Labcorp
Classification: Pathogenic for Distal myopathy with posterior leg and anterior hand involvement; Myofibrillar myopathy 5; Hypertrophic cardiomyopathy 26. Last evaluated: 2020-10-09. Review status: criteria provided, single submitter. Criteria: Invitae Variant Classification Sherloc (09022015). Collection method: clinical testing. Allele origin: germline.
Comment: This variant has not been reported in the literature in individuals with FLNC-related conditions. For these reasons, this variant has been classified as Pathogenic. Loss-of-function variants in FLNC are known to be pathogenic (PMID: 27908349). This variant is not present in population databases (ExAC no frequency). This sequence change creates a premature translational stop signal (p.Ile1857Alafs*10) in the FLNC gene. It is expected to result in an absent or disrupted protein product.

Literature cited by the submitters: PubMed 27908349.

NM_001458.5(FLNC):c.5569_5578del (p.Ile1857fs)

Genes: FLNC (filamin C; plus strand), FLNC-AS1 (FLNC antisense RNA 1; minus strand). Cytogenetic location: 7q32.1.
Variant type: Deletion.
Coding change: c.5569_5578del on transcript NM_001458.5 (MANE Select); coding-DNA positions 5569 to 5578, 10 bases deleted (ATCAACAGCC; older notation c.5569_5578delATCAACAGCC).
Protein change: p.Ile1857fs; shifts the reading frame from isoleucine 1857.
Molecular consequence: frameshift variant.
Genome position (GRCh38, 1-based): chr7:128,851,261-128,851,270, ATCAACAGCC deleted; deleting any 10 consecutive bases within chr7:128,851,258-128,851,270 gives the same sequence; the c. name uses the placement nearest the transcript's 3' end. VCF-style (leftmost placement, unchanged base first): chr7-128851257-TGCCATCAACA-T. GRCh37 (hg19) VCF-style: chr7-128491311-TGCCATCAACA-T.
Other names: c.5470_5479del, p.Ile1824fs (NM_001127487.2); short protein forms I1824fs, I1857fs.
Identifiers: ClinVar variation 1071678 (VCV001071678.7), dbSNP rs2128938360, ClinGen allele CA2499218747.